The following is an entry in ClinVar:

ClinVar aggregate classification (germline): Uncertain significance. Review status: criteria provided, multiple submitters, no conflicts (2 of 4 stars). 4 submissions from 4 submitters: Uncertain significance (4). Last evaluated 2025-06-12.

Conditions:
Catecholaminergic polymorphic ventricular tachycardia 1. Also called: VENTRICULAR TACHYCARDIA, CATECHOLAMINERGIC POLYMORPHIC, 1, WITH OR WITHOUT ATRIAL DYSFUNCTION AND/OR DILATED CARDIOMYOPATHY; VENTRICULAR TACHYCARDIA, STRESS-INDUCED POLYMORPHIC 1; RYR2-Related Catecholaminergic Polymorphic Ventricular Tachycardia. Identifiers: Orphanet 3286, MedGen C1631597, MONDO:0011484, OMIM 604772.
Arrhythmogenic right ventricular dysplasia 2. Identifiers: MedGen C1832931.
Ventricular arrhythmias due to cardiac ryanodine receptor calcium release deficiency syndrome. Also called: Autosomal dominant cardiac arrhythmia (Kuhn). Identifiers: MedGen C5542154, MONDO:0020745, OMIM 115000.
Cardiovascular phenotype. Identifiers: MedGen CN230736.
Cardiomyopathy (CMYO). Also called: Cardiomyopathies. Identifiers: Orphanet 167848, MedGen C0878544, MONDO:0004994, HP:0001638. Inheritance: Various modes of inheritance.

Allele frequency attached by ClinVar (database versions not stated): gnomAD exomes below 0.00001; TOPMed below 0.00001.
gnomAD v4.1: 4 of 1,594,420 alleles (0.00025%); highest among the groups gnomAD compares: Non-Finnish European, 0.00034%; no homozygotes.

Submissions (4):

Color Diagnostics, LLC DBA Color Health
Classification: Uncertain significance for Cardiomyopathy. Last evaluated: 2025-06-12. Review status: criteria provided, single submitter. Criteria: ACMG Guidelines, 2015. Collection method: clinical testing. Allele origin: germline.
Comment: This missense variant replaces threonine with serine at codon 27 of the RYR2 protein. Computational prediction tool is inconclusive regarding the impact of this variant on protein structure and function. To our knowledge, functional studies have not been reported for this variant. This variant has not been reported in individuals affected with RYR2-related disorders in the literature. This variant has been identified in 1/220356 chromosomes in the general population by the Genome Aggregation Database (gnomAD). The available evidence is insufficient to determine the role of this variant in disease conclusively. Therefore, this variant is classified as a Variant of Uncertain Significance.

Fulgent Genetics
Classification: Uncertain significance for Ventricular arrhythmias due to cardiac ryanodine receptor calcium release deficiency syndrome; Catecholaminergic polymorphic ventricular tachycardia 1. Last evaluated: 2022-04-06. Review status: criteria provided, single submitter. Criteria: ACMG Guidelines, 2015. Collection method: clinical testing. Allele origin: unknown.

Labcorp Genetics (formerly Invitae), Labcorp
Classification: Uncertain significance for Catecholaminergic polymorphic ventricular tachycardia 1. Last evaluated: 2019-05-10. Review status: criteria provided, single submitter. Criteria: Invitae Variant Classification Sherloc (09022015). Collection method: clinical testing. Allele origin: germline.
Comment: Algorithms developed to predict the effect of missense changes on protein structure and function (SIFT, PolyPhen-2, Align-GVGD) all suggest that this variant is likely to be tolerated, but these predictions have not been confirmed by published functional studies and their clinical significance is uncertain. In summary, the available evidence is currently insufficient to determine the role of this variant in disease. Therefore, it has been classified as a Variant of Uncertain Significance. This variant has not been reported in the literature in individuals with RYR2-related conditions. This variant is not present in population databases (ExAC no frequency). This sequence change replaces threonine with serine at codon 27 of the RYR2 protein (p.Thr27Ser). The threonine residue is moderately conserved and there is a small physicochemical difference between threonine and serine.

Ambry Genetics
Classification: Uncertain significance for Cardiovascular phenotype. Last evaluated: 2019-03-21. Review status: criteria provided, single submitter. Criteria: Ambry Variant Classification Scheme 2023. Collection method: clinical testing. Allele origin: germline.
Comment: The p.T27S variant (also known as c.80C>G), located in coding exon 2 of the RYR2 gene, results from a C to G substitution at nucleotide position 80. The threonine at codon 27 is replaced by serine, an amino acid with similar properties. This amino acid position is well conserved in available vertebrate species. In addition, the in silico prediction for this alteration is inconclusive. Since supporting evidence is limited at this time, the clinical significance of this alteration remains unclear.

NM_001035.3(RYR2):c.80C>G (p.Thr27Ser)

Gene: RYR2 (ryanodine receptor 2; plus strand). Cytogenetic location: 1q43.
Variant type: single nucleotide variant.
Coding change: c.80C>G on transcript NM_001035.3 (MANE Select); coding-DNA position 80, C replaced by G.
Protein change: p.Thr27Ser; replaces threonine 27 with serine.
Molecular consequence: missense variant.
Genome position (GRCh38, 1-based): chr1:237,270,528, C>G. VCF-style: chr1-237270528-C-G. GRCh37 (hg19) VCF-style: chr1-237433828-C-G.
Other names: short protein forms T27S.
Identifiers: ClinVar variation 933457 (VCV000933457.14), dbSNP rs1399536009, ClinGen allele CA345654325.